The following is an entry in ClinVar:

ClinVar aggregate classification (germline): Uncertain significance (1 of 4 stars; one submission).

gnomAD v4.1: 1 of 1,614,172 alleles (0.000062%); highest among the groups gnomAD compares: African/African-American, 0.0013%; no homozygotes.

Submission:

GeneDx
Classification: Uncertain significance. Last evaluated: 2025-10-30. Review status: criteria provided, single submitter. Criteria: GeneDx Variant Classification Process June 2021. Collection method: clinical testing. Allele origin: germline.
Comment: Not observed at significant frequency in large population cohorts (gnomAD); In silico analysis suggests that this missense variant does not alter protein structure/function; Has not been previously published as pathogenic or benign to our knowledge

NM_004082.5(DCTN1):c.118C>T (p.His40Tyr)

Gene: DCTN1 (dynactin subunit 1; minus strand). Cytogenetic location: 2p13.1.
Variant type: single nucleotide variant.
Coding change: c.118C>T on transcript NM_004082.5 (MANE Select); coding-DNA position 118, C replaced by T.
Protein change: p.His40Tyr; replaces histidine 40 with tyrosine.
Molecular consequence: missense variant. On other transcripts: non-coding transcript variant (1).
Genome position (GRCh38, 1-based): chr2:74,378,161, G>A on the plus strand (C>T on the coding strand, the complement: DCTN1 is on the minus strand). VCF-style: chr2-74378161-G-A. GRCh37 (hg19) VCF-style: chr2-74605288-G-A.
Other names: c.118C>T, p.His40Tyr (NM_001135040.3, NM_001190837.2); c.67C>T, p.His23Tyr (NM_001190836.2, NM_001378991.1, NM_001378992.1); short protein forms H23Y, H40Y.
Identifiers: ClinVar variation 3361871 (VCV003361871.2).